The following is an entry in ClinVar:

NM_001009999.3(KDM1A):c.1736A>G (p.Asp579Gly)

Gene: KDM1A (lysine demethylase 1A; plus strand). Cytogenetic location: 1p36.12.
Variant type: single nucleotide variant.
Coding change: c.1736A>G on transcript NM_001009999.3 (MANE Select); coding-DNA position 1736, A replaced by G.
Protein change: p.Asp579Gly; replaces aspartic acid 579 with glycine.
Molecular consequence: missense variant.
Genome position (GRCh38, 1-based): chr1:23,077,229, A>G. VCF-style: chr1-23077229-A-G. GRCh37 (hg19) VCF-style: chr1-23403722-A-G.
Other names: c.1682A>G, p.Asp561Gly (NM_001363654.2); c.1664A>G, p.Asp555Gly (NM_015013.4); short protein forms D561G, D555G, D579G.
Identifiers: ClinVar variation 1516162 (VCV001516162.9), dbSNP rs2124538211, ClinGen allele CA338969923.

ClinVar aggregate classification (germline): Conflicting classifications of pathogenicity. Review status: criteria provided, conflicting classifications (1 of 4 stars). 2 submissions from 2 submitters: Likely pathogenic (1); Uncertain significance (1). Last evaluated 2020-12-28.

Submissions (2):

Labcorp Genetics (formerly Invitae), Labcorp
Classification: Likely pathogenic. Last evaluated: 2020-12-28. Review status: criteria provided, single submitter. Criteria: Invitae Variant Classification Sherloc (09022015). Collection method: clinical testing. Allele origin: germline.
Comment: In summary, the currently available evidence indicates that the variant is pathogenic, but additional data are needed to prove that conclusively. Therefore, this variant has been classified as Likely Pathogenic. Algorithms developed to predict the effect of sequence changes on RNA splicing suggest that this variant may create or strengthen a splice site, but this prediction has not been confirmed by published transcriptional studies. Algorithms developed to predict the effect of missense changes on protein structure and function are either unavailable or do not agree on the potential impact of this missense change (SIFT: "Deleterious"; PolyPhen-2: "Probably Damaging"; Align-GVGD: "Class C0"). This variant has been observed in individual(s) with clinical features of KDM1A-related neurodevelopmental disorder (Invitae). In at least one individual the variant was observed to be de novo. This variant is not present in population databases (ExAC no frequency). This sequence change replaces aspartic acid with glycine at codon 579 of the KDM1A protein (p.Asp579Gly). The aspartic acid residue is highly conserved and there is a moderate physicochemical difference between aspartic acid and glycine.

Blueprint Genetics
Classification: Uncertain significance. Last evaluated: 2020-02-21. Review status: criteria provided, single submitter. Criteria: ACMG Guidelines, 2015. Collection method: clinical testing. Allele origin: germline.